The following is an entry in ClinVar:

NM_000059.4(BRCA2):c.7021C>A (p.Arg2341Ser)

Gene: BRCA2 (BRCA2 DNA repair associated; plus strand). Cytogenetic location: 13q13.1.
Variant type: single nucleotide variant.
Coding change: c.7021C>A on transcript NM_000059.4 (MANE Select); coding-DNA position 7021, C replaced by A.
Protein change: p.Arg2341Ser; replaces arginine 2341 with serine.
Molecular consequence: missense variant.
Genome position (GRCh38, 1-based): chr13:32,354,874, C>A. VCF-style: chr13-32354874-C-A. GRCh37 (hg19) VCF-style: chr13-32929011-C-A.
Other names: c.6925C>A, p.Arg2309Ser (NM_001406719.1); c.7021C>A, p.Arg2341Ser (NM_001406720.1); c.2089C>A, p.Arg697Ser (NM_001406721.1); c.604C>A, p.Arg202Ser (NM_001406722.1); short protein forms R2309S, R202S, R697S, R2341S.
Identifiers: ClinVar variation 1980798 (VCV001980798.4), dbSNP rs41293505, ClinGen allele CA387794116.
Genomic context (GRCh38, chr13:32,354,874, plus strand): 5'-TATATGTGTACTAGTCAATAAACTTATATATTTTCTCCCCATTGCAGCACAACTAAGGAA[C>A]GTCAAGAGATACAGAATCCAAATTTTACCGCACCTGGTCAAGAATTTCTGTCTAAATCTC-3'
Protein context (NP_000050.3, residues 2331-2351): TCVPFRTTKE[Arg2341Ser]QEIQNPNFTA

ClinVar aggregate classification (germline): Uncertain significance (1 of 4 stars; one submission).

Conditions:
Hereditary breast ovarian cancer syndrome. Also called: Hereditary breast and/or ovarian cancer syndrome; Hereditary breast and ovarian cancer syndrome; Hereditary breast and ovarian cancer syndrome (HBOC); Breast and ovarian cancer; Hereditary breast and ovarian cancer; BRCA1- and BRCA2-Associated Hereditary Breast and Ovarian Cancer. Identifiers: Orphanet 145, MedGen C0677776, MeSH D061325, MONDO:0003582. Disease mechanism: loss of function.

Submission:

Labcorp Genetics (formerly Invitae), Labcorp
Classification: Uncertain significance for Hereditary breast ovarian cancer syndrome. Last evaluated: 2022-09-13. Review status: criteria provided, single submitter. Criteria: Invitae Variant Classification Sherloc (09022015). Collection method: clinical testing. Allele origin: germline.
Comment: Advanced modeling of protein sequence and biophysical properties (such as structural, functional, and spatial information, amino acid conservation, physicochemical variation, residue mobility, and thermodynamic stability) performed at Invitae indicates that this missense variant is not expected to disrupt BRCA2 protein function. This sequence change replaces arginine, which is basic and polar, with serine, which is neutral and polar, at codon 2341 of the BRCA2 protein (p.Arg2341Ser). This variant is not present in population databases (gnomAD no frequency). This variant has not been reported in the literature in individuals affected with BRCA2-related conditions. In summary, the available evidence is currently insufficient to determine the role of this variant in disease. Therefore, it has been classified as a Variant of Uncertain Significance.